The following is an entry in ClinVar:

NM_001368894.2(PAX6):c.1198A>G (p.Met400Val)

Gene: PAX6 (paired box 6; minus strand). Cytogenetic location: 11p13.
Variant type: single nucleotide variant.
Coding change: c.1198A>G on transcript NM_001368894.2 (MANE Select); coding-DNA position 1198, A replaced by G.
Protein change: p.Met400Val; replaces methionine 400 with valine.
Molecular consequence: missense variant. On other transcripts: non-coding transcript variant (1), intron variant (9).
Genome position (GRCh38, 1-based): chr11:31,790,737, T>C on the plus strand (A>G on the coding strand, the complement: PAX6 is on the minus strand). VCF-style: chr11-31790737-T-C. GRCh37 (hg19) VCF-style: chr11-31812285-T-C.
Other names: c.1156A>G, p.Met386Val (NM_000280.6, NM_001127612.3, NM_001258464.2 and 6 more transcripts); c.1198A>G, p.Met400Val (NM_001258462.3, NM_001258463.2, NM_001310158.2 and 3 more transcripts); c.748A>G, p.Met250Val (NM_001310160.2, NM_001310161.3, NM_001368899.2 and 10 more transcripts); c.1399A>G, p.Met467Val (NM_001368910.2); c.1273A>G, p.Met425Val (NM_001368918.2, NM_001368919.2); c.1231A>G, p.Met411Val (NM_001368920.2); c.997A>G, p.Met333Val (NM_001368922.2, NM_001368923.2, NM_001368924.2 and 3 more transcripts); c.955A>G, p.Met319Val (NM_001368928.2); and 6 more; short protein forms M250V, M400V, M411V, M425V, M467V, M185V, M319V, M386V.
Identifiers: ClinVar variation 1034147 (VCV001034147.6), dbSNP rs1230504203, ClinGen allele CA379967066.

ClinVar aggregate classification (germline): Uncertain significance. Review status: criteria provided, multiple submitters, no conflicts (2 of 4 stars). 2 submissions from 2 submitters: Uncertain significance (2). Last evaluated 2024-11-05.

Conditions:
Aniridia 1 (AN1). Identifiers: Orphanet 250923, MedGen C0344542, MONDO:0024507, OMIM 106210.
Irido-corneo-trabecular dysgenesis (ASGD5). Also called: ANTERIOR SEGMENT DYSGENESIS 5. Identifiers: Orphanet 708, MedGen C0344559, MONDO:0011414, OMIM 604229, HP:0000659.
Coloboma of optic nerve. Also called: Coloboma of optic nerve (disease); OPTIC NERVE HEAD PITS, BILATERAL CONGENITAL; Congenital coloboma of the optic nerve. Identifiers: Orphanet 35737, Orphanet 98947, MedGen C0155299, MONDO:0007354, OMIM 120430, HP:0000588.

Allele frequency attached by ClinVar (database versions not stated): gnomAD exomes below 0.00001; TOPMed 0.00001.
gnomAD v4.1: 1 of 1,614,066 alleles (0.000062%); highest among the groups gnomAD compares: Admixed American, 0.0017%; no homozygotes.

Submissions (2):

Labcorp Genetics (formerly Invitae), Labcorp
Classification: Uncertain significance for Aniridia 1; Irido-corneo-trabecular dysgenesis. Last evaluated: 2024-11-05. Review status: criteria provided, single submitter. Criteria: Invitae Variant Classification Sherloc (09022015). Collection method: clinical testing. Allele origin: germline.
Comment: This sequence change replaces methionine, which is neutral and non-polar, with valine, which is neutral and non-polar, at codon 386 of the PAX6 protein (p.Met386Val). This variant is present in population databases (no rsID available, gnomAD 0.003%). This variant has not been reported in the literature in individuals affected with PAX6-related conditions. ClinVar contains an entry for this variant (Variation ID: 1034147). Invitae Evidence Modeling of protein sequence and biophysical properties (such as structural, functional, and spatial information, amino acid conservation, physicochemical variation, residue mobility, and thermodynamic stability) indicates that this missense variant is not expected to disrupt PAX6 protein function with a negative predictive value of 95%. In summary, the available evidence is currently insufficient to determine the role of this variant in disease. Therefore, it has been classified as a Variant of Uncertain Significance.

Baylor Genetics
Classification: Uncertain significance for Coloboma of optic nerve. Last evaluated: 2018-03-27. Review status: criteria provided, single submitter. Criteria: ACMG Guidelines, 2015. Collection method: clinical testing. Allele origin: maternal. Affected: yes.
Comment: This variant was determined to be of uncertain significance according to ACMG Guidelines, 2015 [PMID:25741868].